The following is an entry in ClinVar:

ClinVar aggregate classification (germline): Uncertain significance (1 of 4 stars; one submission).

Conditions:
Ataxia-telangiectasia syndrome (AT). Also called: ATAXIA-TELANGIECTASIA, COMPLEMENTATION GROUP A; ATAXIA-TELANGIECTASIA, FRESNO VARIANT; Ataxia-telangiectasia; Ataxia-telangiectasia, complementation group D; AT, COMPLEMENTATION GROUP C; Ataxia-telangiectasia, complementation group E. Identifiers: Orphanet 100, MedGen C0004135, MONDO:0008840, OMIM 208900.

Submission:

Labcorp Genetics (formerly Invitae), Labcorp
Classification: Uncertain significance for Ataxia-telangiectasia syndrome. Last evaluated: 2019-11-18. Review status: criteria provided, single submitter. Criteria: Invitae Variant Classification Sherloc (09022015). Collection method: clinical testing. Allele origin: germline.
Comment: This sequence change replaces tyrosine with histidine at codon 2086 of the ATM protein (p.Tyr2086His). The tyrosine residue is weakly conserved and there is a moderate physicochemical difference between tyrosine and histidine. This variant is not present in population databases (ExAC no frequency). This variant has not been reported in the literature in individuals with ATM-related conditions. Algorithms developed to predict the effect of missense changes on protein structure and function output the following: SIFT: "Tolerated"; PolyPhen-2: "Benign"; Align-GVGD: "Class C0". The histidine amino acid residue is found in multiple mammalian species, suggesting that this missense change does not adversely affect protein function. These predictions have not been confirmed by published functional studies and their clinical significance is uncertain. In summary, the available evidence is currently insufficient to determine the role of this variant in disease. Therefore, it has been classified as a Variant of Uncertain Significance.

NM_000051.4(ATM):c.6256T>C (p.Tyr2086His)

Genes: ATM (ATM serine/threonine kinase; plus strand), C11orf65 (chromosome 11 open reading frame 65; minus strand). Cytogenetic location: 11q22.3.
Variant type: single nucleotide variant.
Coding change: c.6256T>C on transcript NM_000051.4 (MANE Select); coding-DNA position 6256, T replaced by C.
Protein change: p.Tyr2086His; replaces tyrosine 2086 with histidine.
Molecular consequence: missense variant. On other transcripts: intron variant (2).
Genome position (GRCh38, 1-based): chr11:108,317,430, T>C. VCF-style: chr11-108317430-T-C. GRCh37 (hg19) VCF-style: chr11-108188157-T-C.
Other names: c.6256T>C, p.Tyr2086His (NM_001351834.2); c.641-8359A>G (NM_001330368.2); c.*39-8359A>G (NM_001351110.2); short protein forms Y2086H.
Identifiers: ClinVar variation 856613 (VCV000856613.10), dbSNP rs2084781602, ClinGen allele CA382551857.
Genomic context (GRCh38, chr11:108,317,430, plus strand): 5'-TAGGCCTTGCAGAATTTGGGACTCTGCCATATTCTTTCCGTCTATTTAAAAGGATTGGAT[T>C]ATGAAAATAAAGACTGGTGTCCTGAACTAGAAGAACTTCATTACCAAGCAGCATGGAGGA-3'
Protein context (NP_000042.3, residues 2076-2096): ILSVYLKGLD[Tyr2086His]ENKDWCPELE